The following is an entry in ClinVar:

NM_001378969.1(KCND3):c.1370C>T (p.Thr457Met)

Gene: KCND3 (potassium voltage-gated channel subfamily D member 3; minus strand). Cytogenetic location: 1p13.2.
Variant type: single nucleotide variant.
Coding change: c.1370C>T on transcript NM_001378969.1 (MANE Select); coding-DNA position 1370, C replaced by T.
Protein change: p.Thr457Met; replaces threonine 457 with methionine.
Molecular consequence: missense variant.
Genome position (GRCh38, 1-based): chr1:111,780,691, G>A on the plus strand (C>T on the coding strand, the complement: KCND3 is on the minus strand). VCF-style: chr1-111780691-G-A. GRCh37 (hg19) VCF-style: chr1-112323313-G-A.
Other names: c.1370C>T, p.Thr457Met (NM_001378970.1, NM_004980.5, NM_172198.3); short protein forms T457M.
Identifiers: ClinVar variation 432538 (VCV000432538.14), dbSNP rs199637120, ClinGen allele CA1007457.

ClinVar aggregate classification (germline): Conflicting classifications of pathogenicity. Review status: criteria provided, conflicting classifications (1 of 4 stars). 7 submissions from 7 submitters: Uncertain significance (4); Likely benign (2). 1 of the submissions does not count toward it. Last evaluated 2026-06-01.

Conditions:
Cardiovascular phenotype. Identifiers: MedGen CN230736.
Spinocerebellar ataxia type 19/22 (SCA19). Also called: SPINOCEREBELLAR ATAXIA 19; SPINOCEREBELLAR ATAXIA 22. Identifiers: Orphanet 98772, MedGen C1846367, MONDO:0011819, OMIM 607346.
Brugada syndrome 9 (BRGDA9). Identifiers: Orphanet 130, MedGen C4225340, MONDO:0014621, OMIM 616399.

Allele frequency attached by ClinVar (database versions not stated): gnomAD 0.00003; gnomAD exomes 0.00004; TOPMed 0.00005; ExAC 0.00007.
gnomAD v4.1: 63 of 1,607,646 alleles (0.0039%); highest among the groups gnomAD compares: Middle Eastern, 0.016%; no homozygotes.

Submissions (7):

CeGaT Center for Human Genetics Tuebingen
Classification: Likely benign. Last evaluated: 2026-06-01. Review status: criteria provided, single submitter. Criteria: CeGaT Center For Human Genetics Tuebingen Variant Classification Criteria Version 2. Collection method: clinical testing. Allele origin: germline. Affected: yes. Observed: 1 variant allele.
Comment: KCND3: BP4

Women's Health and Genetics/Laboratory Corporation of America, LabCorp
Classification: Uncertain significance. Last evaluated: 2025-10-08. Review status: criteria provided, single submitter. Criteria: LabCorp Variant Classification Summary - May 2015. Collection method: clinical testing. Allele origin: germline.
Comment: Variant summary: KCND3 c.1370C>T (p.Thr457Met) results in a non-conservative amino acid change in the encoded protein sequence near a canonical splice donor site. Algorithms developed to predict the effect of missense changes on protein structure and function are either unavailable or do not agree on the potential impact of this missense change. Consensus agreement among computation tools predict no significant impact on normal splicing. However, these predictions have yet to be confirmed by functional studies. The variant allele was found at a frequency of 3.7e-05 in 241452 control chromosomes. The available data on variant occurrences in the general population are insufficient to allow any conclusion about variant significance. To our knowledge, no occurrence of c.1370C>T in individuals affected with KCND3-related conditions and no experimental evidence demonstrating its impact on protein function have been reported. ClinVar contains an entry for this variant (Variation ID: 432538). Based on the evidence outlined above, the variant was classified as uncertain significance.

Labcorp Genetics (formerly Invitae), Labcorp
Classification: Uncertain significance for Spinocerebellar ataxia type 19/22. Last evaluated: 2024-11-24. Review status: criteria provided, single submitter. Criteria: Invitae Variant Classification Sherloc (09022015). Collection method: clinical testing. Allele origin: germline.
Comment: This sequence change replaces threonine, which is neutral and polar, with methionine, which is neutral and non-polar, at codon 457 of the KCND3 protein (p.Thr457Met). This variant is present in population databases (rs199637120, gnomAD 0.007%). This variant has not been reported in the literature in individuals affected with KCND3-related conditions. ClinVar contains an entry for this variant (Variation ID: 432538). Invitae Evidence Modeling of protein sequence and biophysical properties (such as structural, functional, and spatial information, amino acid conservation, physicochemical variation, residue mobility, and thermodynamic stability) indicates that this missense variant is not expected to disrupt KCND3 protein function with a negative predictive value of 95%. In summary, the available evidence is currently insufficient to determine the role of this variant in disease. Therefore, it has been classified as a Variant of Uncertain Significance.

Ambry Genetics
Classification: Likely benign for Cardiovascular phenotype. Last evaluated: 2023-05-29. Review status: criteria provided, single submitter. Criteria: Ambry Variant Classification Scheme 2023. Collection method: clinical testing. Allele origin: germline.

Fulgent Genetics
Classification: Uncertain significance for Spinocerebellar ataxia type 19/22; Brugada syndrome 9. Last evaluated: 2021-10-04. Review status: criteria provided, single submitter. Criteria: ACMG Guidelines, 2015. Collection method: clinical testing. Allele origin: unknown.

GeneDx
Classification: Uncertain significance. Last evaluated: 2018-04-20. Review status: criteria provided, single submitter. Criteria: GeneDx Variant Classification (06012015). Collection method: clinical testing. Allele origin: germline. Affected: yes.
Comment: The T457M variant hasnot been published as pathogenic or been reported as benign to our knowledge. This variant is anon-conservative amino acid substitution, which is likely to impact secondary protein structure asthese residues differ in polarity, charge, size and/or other properties. However, this substitution occursat a position that is not conserved across species, and M457 is the wild type amino acid in severalspecies. In silico analysis is inconsistent in its predictions as to whether or not the variant is damagingto the protein structure/function. In the ExAC dataset, T457M is observed in 4/38858 alleles and1/11176 alleles from individuals of European Non-Finnish and South Asian ancestry, respectively (Leket al., 2016; 1000 Genomes Consortium et al., 2015; Exome Variant Server).

Bioscientia Institut fuer Medizinische Diagnostik GmbH, Sonic Healthcare
Classification: Uncertain significance for Brugada syndrome 9. Last evaluated: 2017-04-20. Review status: no assertion criteria provided. Collection method: clinical testing. Allele origin: germline. Affected: yes. Not counted in ClinVar's aggregate classification.